The following is an entry in ClinVar:

ClinVar aggregate classification (germline): Uncertain significance (1 of 4 stars; one submission).

gnomAD v4.1: 2 of 1,612,560 alleles (0.00012%); highest among the groups gnomAD compares: Non-Finnish European, 0.00017%; no homozygotes.

Submission:

Labcorp Genetics (formerly Invitae), Labcorp
Classification: Uncertain significance. Last evaluated: 2019-10-24. Review status: criteria provided, single submitter. Criteria: Invitae Variant Classification Sherloc (09022015). Collection method: clinical testing. Allele origin: germline.
Comment: In summary, the available evidence is currently insufficient to determine the role of this variant in disease. Therefore, it has been classified as a Variant of Uncertain Significance. Algorithms developed to predict the effect of missense changes on protein structure and function are either unavailable or do not agree on the potential impact of this missense change (SIFT: "Tolerated"; PolyPhen-2: "Probably Damaging"; Align-GVGD: "Class C0"). This variant has not been reported in the literature in individuals with BEST1-related conditions. This variant is not present in population databases (ExAC no frequency). This sequence change replaces proline with alanine at codon 346 of the BEST1 protein (p.Pro346Ala). The proline residue is highly conserved and there is a small physicochemical difference between proline and alanine.

NM_004183.4(BEST1):c.1036C>G (p.Pro346Ala)

Gene: BEST1 (bestrophin 1; plus strand). Cytogenetic location: 11q12.3.
Variant type: single nucleotide variant.
Coding change: c.1036C>G on transcript NM_004183.4 (MANE Select); coding-DNA position 1036, C replaced by G.
Protein change: p.Pro346Ala; replaces proline 346 with alanine.
Molecular consequence: missense variant. On other transcripts: synonymous variant (1), non-coding transcript variant (1).
Genome position (GRCh38, 1-based): chr11:61,959,979, C>G. VCF-style: chr11-61959979-C-G. GRCh37 (hg19) VCF-style: chr11-61727451-C-G.
Other names: c.1239C>G, p.Pro413= (NM_001363592.2); c.64C>G, p.Pro22Ala (NM_001363593.3); c.856C>G, p.Pro286Ala (NM_001139443.3, NM_001300787.2); c.775C>G, p.Pro259Ala (NM_001300786.2); c.718C>G, p.Pro240Ala (NM_001363591.3); short protein forms P22A, P286A, P346A, P259A, P240A.
Identifiers: ClinVar variation 972579 (VCV000972579.9), dbSNP rs1481681066, ClinGen allele CA380846262.